The following is an entry in ClinVar:

NM_000136.3(FANCC):c.551C>T (p.Ser184Leu)

Genes: FANCC (FA complementation group C; minus strand), AOPEP (aminopeptidase O (putative); plus strand). Cytogenetic location: 9q22.32.
Variant type: single nucleotide variant.
Coding change: c.551C>T on transcript NM_000136.3 (MANE Select); coding-DNA position 551, C replaced by T.
Protein change: p.Ser184Leu; replaces serine 184 with leucine.
Molecular consequence: missense variant.
Genome position (GRCh38, 1-based): chr9:95,150,058, G>A on the plus strand (C>T on the coding strand, the complement: FANCC is on the minus strand). VCF-style: chr9-95150058-G-A. GRCh37 (hg19) VCF-style: chr9-97912340-G-A.
Other names: c.551C>T, p.Ser184Leu (NM_001243743.2, NM_001243744.2); short protein forms S184L.
Identifiers: ClinVar variation 421100 (VCV000421100.16), dbSNP rs746367952, ClinGen allele CA5137694.

ClinVar aggregate classification (germline): Uncertain significance. Review status: criteria provided, multiple submitters, no conflicts (2 of 4 stars). 4 submissions from 4 submitters: Uncertain significance (3). 1 of the submissions does not count toward it. Last evaluated 2025-11-17.

Conditions:
Hereditary cancer-predisposing syndrome. Also called: Hereditary neoplastic syndrome; Tumor predisposition; Neoplastic Syndromes, Hereditary; Hereditary Cancer Syndrome. Identifiers: Orphanet 140162, MedGen C0027672, MeSH D009386, MONDO:0015356.
Fanconi anemia (FA). Also called: Fanconi's anemia. Identifiers: Orphanet 84, MedGen C0015625, MeSH D005199, MONDO:0019391.

Allele frequency attached by ClinVar (database versions not stated): gnomAD exomes below 0.00001; ExAC 0.00001; gnomAD 0.00001; TOPMed 0.00001.
gnomAD v4.1: 3 of 1,613,998 alleles (0.00019%); highest among the groups gnomAD compares: Non-Finnish European, 0.00025%; no homozygotes.

Submissions (4):

Labcorp Genetics (formerly Invitae), Labcorp
Classification: Uncertain significance for Fanconi anemia. Last evaluated: 2025-11-17. Review status: criteria provided, single submitter. Criteria: Invitae Variant Classification Sherloc (09022015). Collection method: clinical testing. Allele origin: germline.
Comment: This sequence change replaces serine, which is neutral and polar, with leucine, which is neutral and non-polar, at codon 184 of the FANCC protein (p.Ser184Leu). This variant is present in population databases (rs746367952, gnomAD 0.0009%). This variant has not been reported in the literature in individuals affected with FANCC-related conditions. ClinVar contains an entry for this variant (Variation ID: 421100). Invitae Evidence Modeling of protein sequence and biophysical properties (such as structural, functional, and spatial information, amino acid conservation, physicochemical variation, residue mobility, and thermodynamic stability) indicates that this missense variant is expected to disrupt FANCC protein function with a positive predictive value of 80%. In summary, the available evidence is currently insufficient to determine the role of this variant in disease. Therefore, it has been classified as a Variant of Uncertain Significance.

GeneDx
Classification: Uncertain significance. Last evaluated: 2024-12-02. Review status: criteria provided, single submitter. Criteria: GeneDx Variant Classification Process June 2021. Collection method: clinical testing. Allele origin: germline. Affected: yes.
Comment: Not observed at significant frequency in large population cohorts (gnomAD); In silico analysis supports that this missense variant has a deleterious effect on protein structure/function; Has not been previously published as a pathogenic or benign germline variant to our knowledge; This variant is associated with the following publications: (PMID: 28767674)

Ambry Genetics
Classification: Uncertain significance for Hereditary cancer-predisposing syndrome. Last evaluated: 2024-01-17. Review status: criteria provided, single submitter. Criteria: Ambry Variant Classification Scheme 2023. Collection method: clinical testing. Allele origin: germline.
Comment: The p.S184L variant (also known as c.551C>T), located in coding exon 6 of the FANCC gene, results from a C to T substitution at nucleotide position 551. The serine at codon 184 is replaced by leucine, an amino acid with dissimilar properties. This amino acid position is highly conserved in available vertebrate species. In addition, this alteration is predicted to be deleterious by in silico analysis. Based on the available evidence, the clinical significance of this alteration remains unclear.

Natera, Inc.
Classification: Uncertain significance for Fanconi anemia. Last evaluated: 2018-11-04. Review status: no assertion criteria provided. Collection method: clinical testing. Allele origin: germline. Not counted in ClinVar's aggregate classification.